The following is an entry in ClinVar:

ClinVar aggregate classification (germline): Pathogenic (1 of 4 stars; one submission).

Conditions:
Familial adenomatous polyposis 1 (FAP1). Also called: FAMILIAL ADENOMATOUS POLYPOSIS 1, ATTENUATED; POLYPOSIS, ADENOMATOUS INTESTINAL. Identifiers: MedGen C2713442, MONDO:0021056, OMIM 175100. Disease mechanism: loss of function.

Submission:

Victorian Clinical Genetics Services, Murdoch Childrens Research Institute
Classification: Pathogenic for Familial adenomatous polyposis 1. Last evaluated: 2024-09-22. Review status: criteria provided, single submitter. Criteria: ACMG Guidelines, 2015. Collection method: clinical testing. Allele origin: germline. Inheritance: Autosomal dominant inheritance. Affected: yes.
Comment: Based on the classification scheme VCGS_Germline_v1.3.4, this variant is classified as Pathogenic. Following criteria are met: 0102 - Loss of function is a known mechanism of disease in this gene and is associated with familial adenomatous polyposis (FAP; MIM#175100). (I) 0107 - This gene is associated with autosomal dominant disease. (I) 0112 - The condition associated with this gene has incomplete penetrance in association with attenuated FAP, however classic FAP is reported to have complete penetrance (PMID: 20301519). (I) 0115 - Variants in this gene are known to have variable expressivity, with known intra and interfamilial variability (PMID: 20301519). (I) 0201 - Variant is predicted to cause nonsense-mediated decay (NMD) and loss of protein (premature termination codon is located at least 54 nucleotides upstream of the final exon-exon junction). (SP) 0251 - This variant is heterozygous. (I) 0301 - Variant is absent from gnomAD (both v2 and v3). (SP) 0701 - Other variants predicted to result in NMD comparable to the one identified in this case have very strong previous evidence for pathogenicity (DECIPHER). (SP) 0807 - This variant has no previous evidence of pathogenicity. (I) 1007 - No published functional evidence has been identified for this variant. (I) 1208 - Inheritance information for this variant is not currently available in this individual. (I) Legend: (SP) - Supporting pathogenic, (I) - Information, (SB) - Supporting benign

Literature cited by the submitters: PubMed 20301519.

NM_000038.6(APC):c.351_355del (p.Phe118fs)

Gene: APC (APC regulator of Wnt signaling pathway; plus strand). Cytogenetic location: 5q22.2.
Variant type: Deletion.
Coding change: c.351_355del on transcript NM_000038.6 (MANE Select); coding-DNA positions 351 to 355, 5 bases deleted (ATTTC; older notation c.351_355delATTTC).
Protein change: p.Phe118fs; shifts the reading frame from phenylalanine 118.
Molecular consequence: frameshift variant. On other transcripts: 5 prime UTR variant (4), non-coding transcript variant (2).
Genome position (GRCh38, 1-based): chr5:112,767,319-112,767,323, ATTTC deleted; deleting any 5 consecutive bases within chr5:112,767,316-112,767,323 gives the same sequence; the c. name uses the placement nearest the transcript's 3' end. VCF-style (leftmost placement, unchanged base first): chr5-112767315-GTTCAT-G. GRCh37 (hg19) VCF-style: chr5-112103012-GTTCAT-G.
Other names: c.351_355del, p.Phe118fs (NM_001127510.3, NM_001354895.2, NM_001354896.2 and 16 more transcripts); c.381_385del, p.Phe128fs (NM_001127511.3, NM_001354897.2, NM_001354902.2 and 1 more transcripts); c.276_280del, p.Phe93fs (NM_001354898.2, NM_001354904.2, NM_001407451.1); c.174_178del, p.Phe59fs (NM_001354900.2, NM_001354901.2, NM_001354905.2 and 1 more transcripts); c.-685_-681del (NM_001354906.2, NM_001407470.1, NM_001407471.1 and 1 more transcripts); short protein forms F118fs, F128fs, F59fs, F93fs.
Identifiers: ClinVar variation 3255180 (VCV003255180.2), dbSNP rs2532298890.